The following is an entry in ClinVar:

NM_005654.6(NR2F1):c.74C>G (p.Pro25Arg)

Genes: NR2F1 (nuclear receptor subfamily 2 group F member 1; plus strand), NR2F1-AS1 (NR2F1 antisense RNA 1; minus strand). Cytogenetic location: 5q15.
Variant type: single nucleotide variant.
Coding change: c.74C>G on transcript NM_005654.6 (MANE Select); coding-DNA position 74, C replaced by G.
Protein change: p.Pro25Arg; replaces proline 25 with arginine.
Molecular consequence: missense variant.
Genome position (GRCh38, 1-based): chr5:93,585,097, C>G. VCF-style: chr5-93585097-C-G. GRCh37 (hg19) VCF-style: chr5-92920803-C-G.
Other names: short protein forms P25R.
Identifiers: ClinVar variation 1314078 (VCV001314078.2), dbSNP rs2149941397, ClinGen allele CA360525470.

ClinVar aggregate classification (germline): Uncertain significance (1 of 4 stars; one submission).

Submission:

GeneDx
Classification: Uncertain significance. Last evaluated: 2021-01-25. Review status: criteria provided, single submitter. Criteria: GeneDx Variant Classification Process June 2021. Collection method: clinical testing. Allele origin: germline. Affected: yes.
Comment: Not observed in large population cohorts (Lek et al., 2016); In silico analysis supports that this missense variant does not alter protein structure/function; Has not been previously published as pathogenic or benign to our knowledge